The following is an entry in ClinVar:

NM_032043.3(BRIP1):c.3562G>T (p.Glu1188Ter)

Gene: BRIP1 (BRCA1 interacting DNA helicase 1; minus strand). Cytogenetic location: 17q23.2.
Variant type: single nucleotide variant.
Coding change: c.3562G>T on transcript NM_032043.3 (MANE Select); coding-DNA position 3562, G replaced by T.
Protein change: p.Glu1188Ter; replaces glutamic acid 1188 with a stop codon.
Molecular consequence: nonsense.
Genome position (GRCh38, 1-based): chr17:61,683,484, C>A on the plus strand (G>T on the coding strand, the complement: BRIP1 is on the minus strand). VCF-style: chr17-61683484-C-A. GRCh37 (hg19) VCF-style: chr17-59760845-C-A.
Other names: short protein forms E1188*.
Identifiers: ClinVar variation 1732723 (VCV001732723.2), dbSNP rs786201962, ClinGen allele CA400478247.
Genomic context (GRCh38, chr17:61,683,484, plus strand): 5'-CATCAATTTTACTTTCTTCAATATGCAGAATTCCATTCAACTTTGTATCTATGCAATCCT[C>A]AGCTTTCACTTCTCTGGCTGAATCTACTTCTTTTATAGTTCTAATTTCAAAAAGGTCTTT-3'

ClinVar aggregate classification (germline): Uncertain significance (1 of 4 stars; one submission).

Conditions:
Hereditary cancer-predisposing syndrome. Also called: Neoplastic Syndromes, Hereditary; Tumor predisposition; Hereditary Cancer Syndrome; Hereditary neoplastic syndrome. Identifiers: Orphanet 140162, MedGen C0027672, MeSH D009386, MONDO:0015356.

Submission:

Ambry Genetics
Classification: Uncertain significance for Hereditary cancer-predisposing syndrome. Last evaluated: 2020-11-10. Review status: criteria provided, single submitter. Criteria: Ambry Variant Classification Scheme 2023. Collection method: clinical testing. Allele origin: germline.
Comment: The p.E1188* variant (also known as c.3562G>T), located in coding exon 19 of the BRIP1 gene, results from a G to T substitution at nucleotide position 3562. This changes the amino acid from a glutamic acid to a stop codon within coding exon 19. This alteration occurs at the 3' terminus of BRIP1 gene, is not expected to trigger nonsense-mediated mRNAdecay, and only impacts the last 62 amino acids of the protein. The exact functional effect of this alteration is unknown. Since supporting evidence is limited at this time, the clinical significance of this alteration remains unclear.